The following is an entry in ClinVar:

NM_001999.4(FBN2):c.4141C>A (p.His1381Asn)

Gene: FBN2 (fibrillin 2; minus strand). Cytogenetic location: 5q23.3.
Variant type: single nucleotide variant.
Coding change: c.4141C>A on transcript NM_001999.4 (MANE Select); coding-DNA position 4141, C replaced by A.
Protein change: p.His1381Asn; replaces histidine 1381 with asparagine.
Molecular consequence: missense variant.
Genome position (GRCh38, 1-based): chr5:128,332,993, G>T on the plus strand (C>A on the coding strand, the complement: FBN2 is on the minus strand). VCF-style: chr5-128332993-G-T. GRCh37 (hg19) VCF-style: chr5-127668685-G-T.
Other names: short protein forms H1381N.
Identifiers: ClinVar variation 210996 (VCV000210996.73), dbSNP rs78727187, ClinGen allele CA319740.
Genomic context (GRCh38, chr5:128,332,993, plus strand): 5'-CAATCCAGCCTTCTCTGCAGCTACACTTGAAGCTTCCTGGGATATTCAGACATGAGGCAT[G>T]CATGTCGCAGTTATGAGCACCAATTTCACACTCATCCACATCTGATAAACCATAATTCAT-3'
Protein context (NP_001990.2, residues 1371-1391): CEIGAHNCDM[His1381Asn]ASCLNIPGSF

ClinVar aggregate classification (germline): Conflicting classifications of pathogenicity. Review status: criteria provided, conflicting classifications (1 of 4 stars). 18 submissions from 17 submitters: Uncertain significance (1); Benign (7); Likely benign (7). 3 of the submissions do not count toward it. Last evaluated 2026-07-01.

Conditions:
Ehlers-Danlos syndrome (EDS). Identifiers: Orphanet 98249, MedGen C0013720, MONDO:0020066.
Connective tissue disorder. Also called: Connective tissue disease. Identifiers: MedGen C0009782, MONDO:0003900.
Familial thoracic aortic aneurysm and aortic dissection (TAAD). Also called: Thoracic aortic aneurysms and dissections. Identifiers: Orphanet 91387, MedGen C4707243, MONDO:0019625.
Congenital contractural arachnodactyly (CCA). Also called: Arthrogryposis, distal, type 9; Beals-Hecht syndrome; BEALS SYNDROME. Identifiers: Orphanet 115, MedGen C0220668, MONDO:0007363, OMIM 121050.

Allele frequency attached by ClinVar (database versions not stated): 1000 Genomes Project 30x 0.00187; TOPMed 0.00305; gnomAD 0.00322 and 0.00327; ExAC 0.00368; gnomAD exomes 0.00372 and 0.00539; ESP Exome Variant Server 0.00392.
gnomAD v4.1: 8,231 of 1,608,724 alleles (0.51%); highest among the groups gnomAD compares: Non-Finnish European, 0.62%; 24 homozygotes.

Submissions (18):

CeGaT Center for Human Genetics Tuebingen
Classification: Likely benign. Last evaluated: 2026-07-01. Review status: criteria provided, single submitter. Criteria: CeGaT Center For Human Genetics Tuebingen Variant Classification Criteria Version 2. Collection method: clinical testing. Allele origin: germline. Affected: yes. Observed: 18 variant alleles.
Comment: FBN2: BS2

Labcorp Genetics (formerly Invitae), Labcorp
Classification: Benign for Congenital contractural arachnodactyly. Last evaluated: 2026-02-04. Review status: criteria provided, single submitter. Criteria: Invitae Variant Classification Sherloc (09022015). Collection method: clinical testing. Allele origin: germline.

ARUP Laboratories, Molecular Genetics and Genomics, ARUP Laboratories
Classification: Likely benign. Last evaluated: 2025-03-05. Review status: criteria provided, single submitter. Criteria: ARUP Molecular Germline Variant Investigation Process 2024. Collection method: clinical testing. Allele origin: germline.

Blueprint Genetics
Classification: Likely benign. Last evaluated: 2024-11-11. Review status: criteria provided, single submitter. Criteria: ACMG Guidelines, 2015. Collection method: clinical testing. Allele origin: germline.

Mayo Clinic Laboratories, Mayo Clinic
Classification: Benign. Last evaluated: 2023-08-31. Review status: criteria provided, single submitter. Criteria: ACMG Guidelines, 2015. Collection method: clinical testing. Allele origin: germline. Observed: 21 variant alleles.
Comment: BS1, BS2

Women's Health and Genetics/Laboratory Corporation of America, LabCorp
Classification: Likely benign. Last evaluated: 2023-07-21. Review status: criteria provided, single submitter. Criteria: LabCorp Variant Classification Summary - May 2015. Collection method: clinical testing. Allele origin: germline.

Genome Diagnostics Laboratory, The Hospital for Sick Children
Classification: Benign for Ehlers-Danlos syndrome. Last evaluated: 2022-04-29. Review status: criteria provided, single submitter. Criteria: ACMG Guidelines, 2015. Collection method: clinical testing. Allele origin: germline.

Genome Diagnostics Laboratory, The Hospital for Sick Children
Classification: Benign for Connective tissue disorder. Last evaluated: 2020-02-01. Review status: criteria provided, single submitter. Criteria: ACMG Guidelines, 2015. Collection method: clinical testing. Allele origin: germline.

Ambry Genetics
Classification: Likely benign for Familial thoracic aortic aneurysm and aortic dissection. Last evaluated: 2018-10-05. Review status: criteria provided, single submitter. Criteria: Ambry Variant Classification Scheme 2023. Collection method: clinical testing. Allele origin: germline.

Illumina Laboratory Services, Illumina
Classification: Benign for Congenital contractural arachnodactyly. Last evaluated: 2018-01-13. Review status: criteria provided, single submitter. Criteria: ICSL Variant Classification Criteria 13 December 2019. Collection method: clinical testing. Allele origin: germline.
Comment: This variant was observed in the ICSL laboratory as part of a predisposition screen in an ostensibly healthy population. It had not been previously curated by ICSL or reported in the Human Gene Mutation Database (HGMD: prior to June 1st, 2018), and was therefore a candidate for classification through an automated scoring system. Utilizing variant allele frequency, disease prevalence and penetrance estimates, and inheritance mode, an automated score was calculated to assess if this variant is too frequent to cause the disease. Based on the score and internal cut-off values, a variant classified as benign is not then subjected to further curation. The score for this variant resulted in a classification of benign for this disease.

Eurofins Ntd Llc (ga)
Classification: Likely benign. Last evaluated: 2017-05-22. Review status: criteria provided, single submitter. Criteria: EGL Classification Definitions 2015. Collection method: clinical testing. Allele origin: germline. Observed: 2 variant alleles, 2 heterozygotes.

Center for Human Genetics, Inc
Classification: Likely benign for Connective tissue disorder. Last evaluated: 2016-11-01. Review status: criteria provided, single submitter. Criteria: ACMG Guidelines, 2015. Collection method: clinical testing. Allele origin: germline. Affected: yes.

GeneDx
Classification: Benign. Last evaluated: 2016-06-22. Review status: criteria provided, single submitter. Criteria: GeneDx Variant Classification (06012015). Collection method: clinical testing. Allele origin: germline. Affected: yes.
Comment: This variant is considered likely benign or benign based on one or more of the following criteria: it is a conservative change, it occurs at a poorly conserved position in the protein, it is predicted to be benign by multiple in silico algorithms, and/or has population frequency not consistent with disease.

Genetic Services Laboratory, University of Chicago
Classification: Uncertain significance. Last evaluated: 2014-05-09. Review status: criteria provided, single submitter. Criteria: ACMG Guidelines, 2015. Collection method: clinical testing. Allele origin: germline.

PreventionGenetics, part of Exact Sciences
Classification: Benign. Review status: criteria provided, single submitter. Criteria: ACMG Guidelines, 2015. Collection method: clinical testing. Allele origin: germline.

Genome Diagnostics Laboratory, Amsterdam University Medical Center
Classification: Benign. Review status: no assertion criteria provided. Collection method: clinical testing. Allele origin: germline. Affected: yes. Study: VKGL Data-share Consensus. Not counted in ClinVar's aggregate classification.

Genome Diagnostics Laboratory, University Medical Center Utrecht
Classification: Likely benign. Review status: no assertion criteria provided. Collection method: clinical testing. Allele origin: germline. Affected: yes. Study: VKGL Data-share Consensus. Not counted in ClinVar's aggregate classification.

Laboratory of Diagnostic Genome Analysis, Leiden University Medical Center (LUMC)
Classification: Likely benign. Review status: no assertion criteria provided. Collection method: clinical testing. Allele origin: germline. Affected: yes. Study: VKGL Data-share Consensus. Not counted in ClinVar's aggregate classification.